The following is an entry in ClinVar:

ClinVar aggregate classification (germline): Pathogenic. Review status: criteria provided, multiple submitters, no conflicts (2 of 4 stars). 2 submissions from 2 submitters: Pathogenic (2). Last evaluated 2025-11-24.

Conditions:
RSPH1-related disorder. Also called: RSPH1-related condition.
Primary ciliary dyskinesia. Also called: Ciliary dyskinesia. Identifiers: Orphanet 244, MedGen C0008780, MONDO:0016575, HP:0012265.

Submissions (2):

Labcorp Genetics (formerly Invitae), Labcorp
Classification: Pathogenic for Primary ciliary dyskinesia. Last evaluated: 2025-11-24. Review status: criteria provided, single submitter. Criteria: Invitae Variant Classification Sherloc (09022015). Collection method: clinical testing. Allele origin: germline.
Comment: This sequence change creates a premature translational stop signal (p.Asn96Lysfs*2) in the RSPH1 gene. It is expected to result in an absent or disrupted protein product. Loss-of-function variants in RSPH1 are known to be pathogenic (PMID: 23993197). The frequency data for this variant in the population databases is considered unreliable, as metrics indicate poor data quality at this position in the gnomAD database. This premature translational stop signal has been observed in individual(s) with primary ciliary dyskinesia (PMID: 24568568, 26139845). ClinVar contains an entry for this variant (Variation ID: 408124). For these reasons, this variant has been classified as Pathogenic.

PreventionGenetics, part of Exact Sciences
Classification: Pathogenic for RSPH1-related condition. Last evaluated: 2025-01-20. Review status: criteria provided, single submitter. Criteria: ACMG Guidelines, 2015. Collection method: clinical testing. Allele origin: germline.
Comment: The RSPH1 c.287dupA variant is predicted to result in a frameshift and premature protein termination (p.Asn96Lysfs*2). This variant in the compound heterozygous condition along with RSPH1 c.275-2A>C has been reported in at least two siblings with primary ciliary dyskinesia (Knowles et al. 2014. PubMed ID: 24568568; Dataset 1, Hou et al. 2020. PubMed ID: 31980526). This variant is reported in 0.0056% of alleles in individuals of Latino descent in gnomAD. This variant is reported in 0.0056% of alleles in individuals of Latino descent in gnomAD. Frameshift variants in RSPH1 are expected to be pathogenic. This variant is interpreted as pathogenic.

Literature cited by the submitters: PubMed 23993197 (cited by Labcorp Genetics (formerly Invitae), Labcorp); PubMed 24568568 (cited by Labcorp Genetics (formerly Invitae), Labcorp); PubMed 26139845 (cited by Labcorp Genetics (formerly Invitae), Labcorp).

NM_080860.4(RSPH1):c.287dup (p.Asn96fs)

Gene: RSPH1 (radial spoke head component 1; minus strand). Cytogenetic location: 21q22.3.
Variant type: Duplication.
Coding change: c.287dup on transcript NM_080860.4 (MANE Select); coding-DNA position 287, one base duplicated (A; older notation c.287dupA).
Protein change: p.Asn96fs; shifts the reading frame from asparagine 96.
Molecular consequence: frameshift variant.
Genome position (GRCh38, 1-based): chr21:42,486,449, T duplicated on the plus strand (A on the coding strand, the reverse complement: RSPH1 is on the minus strand); the first of 3 consecutive T bases (chr21:42,486,449-42,486,451); duplicating any one gives the same sequence. VCF-style (leftmost placement, unchanged base first): chr21-42486448-A-AT. GRCh37 (hg19) VCF-style: chr21-43906558-A-AT.
Other names: c.173dup, p.Asn58fs (NM_001286506.2); short protein forms N58fs, N96fs.
Identifiers: ClinVar variation 408124 (VCV000408124.8), dbSNP rs1060501861, ClinGen allele CA16616290.
Genomic context (GRCh38, chr21:42,486,448, plus strand): 5'-CTCTCCAGTGTAGGTGTCATTATTGATGTAGTAGTATACGCCATGGCCGTGCCGCAGGTC[A>AT]TTTGCCCACTCTCCTGAAAGGAACAACACAAAGGCAAGCCCAGGTGAGAAGAAGGGATCG-3'